The following is an entry in ClinVar:

ClinVar aggregate classification (germline): Uncertain significance (1 of 4 stars; one submission).

gnomAD v4.1: 4 of 1,609,576 alleles (0.00025%); highest among the groups gnomAD compares: Non-Finnish European, 0.00034%; no homozygotes.

Submission:

Women's Health and Genetics/Laboratory Corporation of America, LabCorp
Classification: Uncertain significance. Last evaluated: 2022-09-07. Review status: criteria provided, single submitter. Criteria: LabCorp Variant Classification Summary - May 2015. Collection method: clinical testing. Allele origin: germline.
Comment: Variant summary: NRXN1 c.*18G>A is located in the untranslated mRNA region downstream of the termination codon. The variant allele was found at a frequency of 4e-06 in 250998 control chromosomes (gnomAD). The available data on variant occurrences in the general population are insufficient to allow any conclusion about variant significance. To our knowledge, no occurrence of c.*18G>A in individuals affected with Pitt-Hopkins-Like Syndrome 2 and no experimental evidence demonstrating its impact on protein function have been reported. No clinical diagnostic laboratories have submitted clinical-significance assessments for this variant to ClinVar after 2014. Based on the evidence outlined above, the variant was classified as uncertain significance.

NM_001330078.2(NRXN1):c.*18G>A

Gene: NRXN1 (neurexin 1; minus strand). Cytogenetic location: 2p16.3.
Variant type: single nucleotide variant.
Coding change: c.*18G>A on transcript NM_001330078.2 (MANE Select); 18 bases downstream of the stop codon, G replaced by A.
Molecular consequence: 3 prime UTR variant.
Genome position (GRCh38, 1-based): chr2:49,921,926, C>T on the plus strand (G>A on the coding strand, the complement: NRXN1 is on the minus strand). VCF-style: chr2-49921926-C-T. GRCh37 (hg19) VCF-style: chr2-50149064-C-T.
Other names: c.*18G>A (NM_001135659.3, NM_001320156.4, NM_001320157.4 and 17 more transcripts).
Identifiers: ClinVar variation 1722369 (VCV001722369.1), dbSNP rs201303041, ClinGen allele CA426128322.
Genomic context (GRCh38, chr2:49,921,926, plus strand): 5'-GAAAGTAAATAAGTTTATATTATGTCTCAGATAAAATGAAGACTATTTCTATACAAGTGT[C>T]CATTTAAGATCTTGGGATCAGACATAATACTCTTTATCCTTGTTTTTCTTATTTTTGTTG-3'